The following is an entry in ClinVar:

ClinVar aggregate classification (germline): Uncertain significance. Review status: criteria provided, multiple submitters, no conflicts (2 of 4 stars). 2 submissions from 2 submitters: Uncertain significance (2). Last evaluated 2025-10-19.

Allele frequency attached by ClinVar (database versions not stated): gnomAD 0.00001; gnomAD exomes 0.00001; TOPMed 0.00001.
gnomAD v4.1: 13 of 1,613,902 alleles (0.00081%); highest among the groups gnomAD compares: Middle Eastern, 0.016%; no homozygotes.

Submissions (2):

Labcorp Genetics (formerly Invitae), Labcorp
Classification: Uncertain significance. Last evaluated: 2025-10-19. Review status: criteria provided, single submitter. Criteria: Invitae Variant Classification Sherloc (09022015). Collection method: clinical testing. Allele origin: germline.
Comment: This sequence change replaces valine, which is neutral and non-polar, with alanine, which is neutral and non-polar, at codon 5101 of the HMCN1 protein (p.Val5101Ala). This variant is not present in population databases (gnomAD no frequency). This variant has not been reported in the literature in individuals affected with HMCN1-related conditions. ClinVar contains an entry for this variant (Variation ID: 2179987). An algorithm developed to predict the effect of missense changes on protein structure and function outputs the following: PolyPhen-2: "Benign". The alanine amino acid residue is found in multiple mammalian species, which suggests that this missense change does not adversely affect protein function. In summary, the available evidence is currently insufficient to determine the role of this variant in disease. Therefore, it has been classified as a Variant of Uncertain Significance.

Dasa
Classification: Uncertain significance. Last evaluated: 2025-03-12. Review status: criteria provided, single submitter. Criteria: DASA Assertion Criteria. Collection method: clinical testing. Allele origin: germline.
Comment: NM_031935.3(HMCN1):c.15302T>C (p.Val5101Ala) is a missense variant that results in the substitution of valine with alanine. Multiple computational predictions support a deleterious effect on the gene or gene product. The variant is present at low frequency in population datasets. Based on the available data, this variant is classified as variant of uncertain significance.

NM_031935.3(HMCN1):c.15302T>C (p.Val5101Ala)

Gene: HMCN1 (hemicentin 1; plus strand). Cytogenetic location: 1q31.1.
Variant type: single nucleotide variant.
Coding change: c.15302T>C on transcript NM_031935.3 (MANE Select); coding-DNA position 15302, T replaced by C.
Protein change: p.Val5101Ala; replaces valine 5101 with alanine.
Molecular consequence: missense variant.
Genome position (GRCh38, 1-based): chr1:186,165,156, T>C. VCF-style: chr1-186165156-T-C. GRCh37 (hg19) VCF-style: chr1-186134288-T-C.
Other names: short protein forms V5101A.
Identifiers: ClinVar variation 2179987 (VCV002179987.5), dbSNP rs1448680415, ClinGen allele CA343927728.